The following is an entry in ClinVar:

ClinVar aggregate classification (germline): Uncertain significance (1 of 4 stars; one submission).

Conditions:
Cardiac arrhythmia. Also called: Cardiac rhythm disease; Arrhythmia. Identifiers: MedGen C0003811, MONDO:0007263, HP:0011675.

Submission:

Color Diagnostics, LLC DBA Color Health
Classification: Uncertain significance for Cardiac arrhythmia. Last evaluated: 2019-10-22. Review status: criteria provided, single submitter. Criteria: ACMG Guidelines, 2015. Collection method: clinical testing. Allele origin: germline.
Comment: This variant changes 1 nucleotide in exon 16 of the KCNQ1 gene, creating a premature translation stop signal in the last coding exon. This variant is expected to escape nonsense-mediated decay and expressed as a truncated protein product missing the last 35 amino acids of the KCNQ1 protein. The truncated region is not part of any known functional domains of the KCNQ1 protein. To our knowledge, functional studies have not been performed for this variant. This variant has not been reported in individuals affected with cardiovascular disorders in the literature. This variant has not been identified in the general population by the Genome Aggregation Database (gnomAD). The available evidence is insufficient to determine the role of this variant in disease conclusively. Therefore, this variant is classified as a Variant of Uncertain Significance.

NM_000218.3(KCNQ1):c.1926C>A (p.Cys642Ter)

Genes: KCNQ1 (potassium voltage-gated channel subfamily Q member 1; plus strand), KCNQ1-AS1 (KCNQ1 antisense RNA 1; minus strand). Cytogenetic location: 11p15.4.
Variant type: single nucleotide variant.
Coding change: c.1926C>A on transcript NM_000218.3 (MANE Select); coding-DNA position 1926, C replaced by A.
Protein change: p.Cys642Ter; replaces cysteine 642 with a stop codon.
Molecular consequence: nonsense.
Genome position (GRCh38, 1-based): chr11:2,847,898, C>A. VCF-style: chr11-2847898-C-A. GRCh37 (hg19) VCF-style: chr11-2869128-C-A.
Other names: c.1830C>A, p.Cys610Ter (NM_001406836.1); c.1656C>A, p.Cys552Ter (NM_001406837.1); c.1386C>A, p.Cys462Ter (NM_001406838.1); c.438C>A, p.Cys146Ter (NM_001406839.1); c.1545C>A, p.Cys515Ter (NM_181798.2); short protein forms C642*, C515*, C610*, C462*, C552*, C146*.
Identifiers: ClinVar variation 923591 (VCV000923591.6), dbSNP rs12720454, ClinGen allele CA379140445.